The following is an entry in ClinVar:

ClinVar aggregate classification (germline): Uncertain significance (1 of 4 stars; one submission).

Conditions:
Long QT syndrome (LQTS). Identifiers: MedGen C0023976, MeSH D008133, MONDO:0002442. Disease mechanism: loss of function. Inheritance: Various modes of inheritance.

Submission:

Labcorp Genetics (formerly Invitae), Labcorp
Classification: Uncertain significance for Long QT syndrome. Last evaluated: 2025-07-23. Review status: criteria provided, single submitter. Criteria: Invitae Variant Classification Sherloc (09022015). Collection method: clinical testing. Allele origin: germline.
Comment: This sequence change replaces arginine, which is basic and polar, with isoleucine, which is neutral and non-polar, at codon 1865 of the ANK2 protein (p.Arg1865Ile). This variant is not present in population databases (gnomAD no frequency). This variant has not been reported in the literature in individuals affected with ANK2-related conditions. An algorithm developed to predict the effect of missense changes on protein structure and function (PolyPhen-2) suggests that this variant is likely to be disruptive. In summary, the available evidence is currently insufficient to determine the role of this variant in disease. Therefore, it has been classified as a Variant of Uncertain Significance.

NM_001148.6(ANK2):c.5594G>T (p.Arg1865Ile)

Genes: ANK2 (ankyrin 2; plus strand), LOC126807136 (MED14-independent group 3 enhancer GRCh37_chr4:114274931-114276130; plus strand). Cytogenetic location: 4q26.
Variant type: single nucleotide variant.
Coding change: c.5594G>T on transcript NM_001148.6 (MANE Select); coding-DNA position 5594, G replaced by T.
Protein change: p.Arg1865Ile; replaces arginine 1865 with isoleucine.
Molecular consequence: missense variant. On other transcripts: intron variant (68).
Genome position (GRCh38, 1-based): chr4:113,354,212, G>T. VCF-style: chr4-113354212-G-T. GRCh37 (hg19) VCF-style: chr4-114275368-G-T.
Other names: c.5360G>T, p.Arg1787Ile (NM_001386142.1); c.1994G>T, p.Arg665Ile (NM_001386166.1); c.5735G>T, p.Arg1912Ile (NM_001386174.1); c.5711G>T, p.Arg1904Ile (NM_001386175.1); c.4411+3963G>T (NM_001386186.2, NM_001386148.2); c.4213+3963G>T (NM_001354269.3); c.4291+3963G>T (NM_001386187.2); c.4252+3963G>T (NM_001386147.1); and 35 more; short protein forms R1904I, R665I, R1865I, R1787I, R1912I.
Identifiers: ClinVar variation 4781958 (VCV004781958.1).